The following is an entry in ClinVar:

ClinVar aggregate classification (germline): Uncertain significance (1 of 4 stars; one submission).

gnomAD v4.1: 8 of 1,613,782 alleles (0.0005%); highest among the groups gnomAD compares: South Asian, 0.0088%; no homozygotes.

Submission:

Mayo Clinic Laboratories, Mayo Clinic
Classification: Uncertain significance. Last evaluated: 2025-08-27. Review status: criteria provided, single submitter. Criteria: ACMG Guidelines, 2015. Collection method: clinical testing. Allele origin: germline. Observed: 1 variant allele.
Comment: BP4_moderate

NM_133642.5(LARGE1):c.517A>G (p.Ile173Val)

Gene: LARGE1 (LARGE xylosyl- and glucuronyltransferase 1; minus strand). Cytogenetic location: 22q12.3.
Variant type: single nucleotide variant.
Coding change: c.517A>G on transcript NM_133642.5 (MANE Select); coding-DNA position 517, A replaced by G.
Protein change: p.Ile173Val; replaces isoleucine 173 with valine.
Molecular consequence: missense variant.
Genome position (GRCh38, 1-based): chr22:33,604,533, T>C on the plus strand (A>G on the coding strand, the complement: LARGE1 is on the minus strand). VCF-style: chr22-33604533-T-C. GRCh37 (hg19) VCF-style: chr22-34000519-T-C.
Other names: p.Ile173Val; c.517A>G, p.Ile173Val (NM_001362949.2, NM_001362951.2, NM_001362953.2 and 7 more transcripts); short protein forms I173V.
Identifiers: ClinVar variation 4542443 (VCV004542443.1).